The following is an entry in ClinVar:

ClinVar aggregate classification (germline): Uncertain significance (1 of 4 stars; one submission).

Submission:

GeneDx
Classification: Uncertain significance. Last evaluated: 2016-07-05. Review status: criteria provided, single submitter. Criteria: GeneDx Variant Classification (06012015). Collection method: clinical testing. Allele origin: germline. Affected: yes.
Comment: The G1200V variant in the ADCY5 gene has not been reported previously as a pathogenic variant, nor as a benign variant, to our knowledge. This variant was not observed in approximately 6500 individuals of European and African American ancestry in the NHLBI Exome Sequencing Project, indicating it is not a common benign variant in these populations. The G1200V variant is a conservative amino acid substitution, which is not likely to impact secondary protein structure as these residues share similar properties. However, this substitution occurs at a position that is conserved across species, and in silico analysis predicts this variant is probably damaging to the protein structure/function. We interpret G1200V as a variant of uncertain significance.

NM_183357.3(ADCY5):c.3599G>T (p.Gly1200Val)

Gene: ADCY5 (adenylate cyclase 5; minus strand). Cytogenetic location: 3q21.1.
Variant type: single nucleotide variant.
Coding change: c.3599G>T on transcript NM_183357.3 (MANE Select); coding-DNA position 3599, G replaced by T.
Protein change: p.Gly1200Val; replaces glycine 1200 with valine.
Molecular consequence: missense variant.
Genome position (GRCh38, 1-based): chr3:123,286,743, C>A on the plus strand (G>T on the coding strand, the complement: ADCY5 is on the minus strand). VCF-style: chr3-123286743-C-A. GRCh37 (hg19) VCF-style: chr3-123005590-C-A.
Other names: c.2549G>T, p.Gly850Val (NM_001199642.1); c.3674G>T, p.Gly1225Val (NM_001378259.1); short protein forms G1200V, G850V, G1225V.
Identifiers: ClinVar variation 387359 (VCV000387359.2), dbSNP rs1057522767, ClinGen allele CA16604791.
Genomic context (GRCh38, chr3:123,286,743, plus strand): 5'-ACCTGGATGCGGTCGGGTACACCGGTGCTGTCCATGCGGCTGGCCACGTTCACGGTATTG[C>A]CCCAGATGTCGTACTGAGGCTTTCGTGCCCCTATCACCCCGGCCACCACGGGGCCGATGT-3'
Protein context (NP_899200.1, residues 1190-1210): GARKPQYDIW[Gly1200Val]NTVNVASRMD